The following is an entry in ClinVar:

NM_004446.3(EPRS1):c.3344C>G (p.Pro1115Arg)

Gene: EPRS1 (glutamyl-prolyl-tRNA synthetase 1; minus strand). Cytogenetic location: 1q41.
Variant type: single nucleotide variant.
Coding change: c.3344C>G on transcript NM_004446.3 (MANE Select); coding-DNA position 3344, C replaced by G.
Protein change: p.Pro1115Arg; replaces proline 1115 with arginine.
Molecular consequence: missense variant.
Genome position (GRCh38, 1-based): chr1:219,982,801, G>C on the plus strand (C>G on the coding strand, the complement: EPRS1 is on the minus strand). VCF-style: chr1-219982801-G-C. GRCh37 (hg19) VCF-style: chr1-220156143-G-C.
Other names: short protein forms P1115R.
Identifiers: ClinVar variation 523133 (VCV000523133.9), dbSNP rs1288116010, ClinGen allele CA344637894.

ClinVar aggregate classification (germline): Conflicting classifications of pathogenicity. Review status: criteria provided, conflicting classifications (1 of 4 stars). 4 submissions from 4 submitters: Likely pathogenic (2); Uncertain significance (1). 1 of the submissions does not count toward it. Last evaluated 2025-06-19.

Conditions:
Leukodystrophy, hypomyelinating, 15. Identifiers: MedGen C4693733, MONDO:0054782, OMIM 617951.

Allele frequency attached by ClinVar (database versions not stated): gnomAD exomes 0.00001; TOPMed 0.00001; gnomAD 0.00001.
gnomAD v4.1: 9 of 1,613,892 alleles (0.00056%); highest among the groups gnomAD compares: Non-Finnish European, 0.00076%; no homozygotes.

Submissions (4):

First Genomix Gene Laboratory, Genetic Diagnostics Department
Classification: Likely pathogenic for Leukodystrophy, hypomyelinating, 15. Last evaluated: 2025-06-19. Review status: criteria provided, single submitter. Criteria: ACMG Guidelines, 2015. Collection method: clinical testing. Allele origin: germline. Inheritance: Autosomal recessive inheritance. Affected: no. Observed: 1 variant allele.

Labcorp Genetics (formerly Invitae), Labcorp
Classification: Likely pathogenic. Last evaluated: 2024-04-08. Review status: criteria provided, single submitter. Criteria: Invitae Variant Classification Sherloc (09022015). Collection method: clinical testing. Allele origin: germline.
Comment: This sequence change replaces proline, which is neutral and non-polar, with arginine, which is basic and polar, at codon 1115 of the EPRS protein (p.Pro1115Arg). This variant is present in population databases (no rsID available, gnomAD 0.002%). This missense change has been observed in individual(s) with clinical features of EPRS-related conditions (PMID: 29576217). In at least one individual the data is consistent with being in trans (on the opposite chromosome) from a pathogenic variant. ClinVar contains an entry for this variant (Variation ID: 523133). An algorithm developed to predict the effect of missense changes on protein structure and function (PolyPhen-2) suggests that this variant is likely to be disruptive. Experimental studies have shown that this missense change affects EPRS function (PMID: 29576217). In summary, the currently available evidence indicates that the variant is pathogenic, but additional data are needed to prove that conclusively. Therefore, this variant has been classified as Likely Pathogenic.

GeneDx
Classification: Uncertain significance. Last evaluated: 2022-08-15. Review status: criteria provided, single submitter. Criteria: GeneDx Variant Classification Process June 2021. Collection method: clinical testing. Allele origin: germline. Affected: yes.
Comment: Reported in the homozygous and compound heterozygous state in unrelated patients with hypomyelinating leukodystrophy in the published literature (Mendes et al., 2018); Published functional studies suggest a damaging effect as P1115R reduced prolyl-tRNA synthetase activity (Mendes et al., 2018); In silico analysis supports that this missense variant has a deleterious effect on protein structure/function; Variants in candidate genes are classified as variants of uncertain significance in accordance with ACMG guidelines (Richards et al., 2015); This variant is associated with the following publications: (PMID: 29576217)

OMIM
Classification: Pathogenic for LEUKODYSTROPHY, HYPOMYELINATING, 15. Last evaluated: 2019-08-20. Review status: no assertion criteria provided. Collection method: literature only. Allele origin: germline. Not counted in ClinVar's aggregate classification.

Literature cited by the submitters: PubMed 29576217 (cited by Labcorp Genetics (formerly Invitae), Labcorp and OMIM).